The following is an entry in ClinVar:

ClinVar aggregate classification (germline): Uncertain significance. Review status: criteria provided, multiple submitters, no conflicts (2 of 4 stars). 2 submissions from 2 submitters: Uncertain significance (2). Last evaluated 2023-06-12.

Conditions:
RASopathy. Also called: rasopathies; Noonan spectrum disorder. Identifiers: Orphanet 536391, MedGen C5555857, MONDO:0021060.
Cardiovascular phenotype. Identifiers: MedGen CN230736.

gnomAD v4.1: 1 of 1,613,640 alleles (0.000062%); highest among the groups gnomAD compares: East Asian, 0.0022%; no homozygotes.

Submissions (2):

Ambry Genetics
Classification: Uncertain significance for Cardiovascular phenotype. Last evaluated: 2023-06-12. Review status: criteria provided, single submitter. Criteria: Ambry Variant Classification Scheme 2023. Collection method: clinical testing. Allele origin: germline.
Comment: The p.M446I variant (also known as c.1338G>C), located in coding exon 10 of the SOS1 gene, results from a G to C substitution at nucleotide position 1338. The methionine at codon 446 is replaced by isoleucine, an amino acid with highly similar properties. This amino acid position is well conserved in available vertebrate species. In addition, the in silico prediction for this alteration is inconclusive. Since supporting evidence is limited at this time, the clinical significance of this alteration remains unclear.

Labcorp Genetics (formerly Invitae), Labcorp
Classification: Uncertain significance for RASopathy. Last evaluated: 2022-05-27. Review status: criteria provided, single submitter. Criteria: Invitae Variant Classification Sherloc (09022015). Collection method: clinical testing. Allele origin: germline.
Comment: In summary, the available evidence is currently insufficient to determine the role of this variant in disease. Therefore, it has been classified as a Variant of Uncertain Significance. Algorithms developed to predict the effect of missense changes on protein structure and function (SIFT, PolyPhen-2, Align-GVGD) all suggest that this variant is likely to be tolerated. This variant has not been reported in the literature in individuals affected with SOS1-related conditions. This variant is not present in population databases (gnomAD no frequency). This sequence change replaces methionine, which is neutral and non-polar, with isoleucine, which is neutral and non-polar, at codon 446 of the SOS1 protein (p.Met446Ile).

NM_005633.4(SOS1):c.1338G>C (p.Met446Ile)

Gene: SOS1 (SOS Ras/Rac guanine nucleotide exchange factor 1; minus strand). Cytogenetic location: 2p22.1.
Variant type: single nucleotide variant.
Coding change: c.1338G>C on transcript NM_005633.4 (MANE Select); coding-DNA position 1338, G replaced by C.
Protein change: p.Met446Ile; replaces methionine 446 with isoleucine.
Molecular consequence: missense variant.
Genome position (GRCh38, 1-based): chr2:39,023,090, C>G on the plus strand (G>C on the coding strand, the complement: SOS1 is on the minus strand). VCF-style: chr2-39023090-C-G. GRCh37 (hg19) VCF-style: chr2-39250231-C-G.
Other names: c.1317G>C, p.Met439Ile (NM_001382394.1); c.1338G>C, p.Met446Ile (NM_001382395.1); short protein forms M439I, M446I.
Identifiers: ClinVar variation 2106812 (VCV002106812.6), dbSNP rs751528749, ClinGen allele CA346366395.
Genomic context (GRCh38, chr2:39,023,090, plus strand): 5'-GCCATCAAAGAGAAATATGTGTCTCTCATGTTTGGCTCCTACACGTGTAAGAGTTCCTTC[C>G]ATTATAAATTCATTACAACACTGTCCAATGTCTTTTCCCTCCCAACCATCAATATTCTTC-3'
Protein context (NP_005624.2, residues 436-456): DIGQCCNEFI[Met446Ile]EGTLTRVGAK